The following is an entry in ClinVar:

NM_005909.5(MAP1B):c.2755G>A (p.Gly919Arg)

Gene: MAP1B (microtubule associated protein 1B; plus strand). Cytogenetic location: 5q13.2.
Variant type: single nucleotide variant.
Coding change: c.2755G>A on transcript NM_005909.5 (MANE Select); coding-DNA position 2755, G replaced by A.
Protein change: p.Gly919Arg; replaces glycine 919 with arginine.
Molecular consequence: missense variant.
Genome position (GRCh38, 1-based): chr5:72,196,110, G>A. VCF-style: chr5-72196110-G-A. GRCh37 (hg19) VCF-style: chr5-71491937-G-A.
Other names: c.2377G>A, p.Gly793Arg (NM_001324255.2); short protein forms G793R, G919R.
Identifiers: ClinVar variation 2540253 (VCV002540253.4), dbSNP rs2478573364, ClinGen allele CA360008462.

ClinVar aggregate classification (germline): Uncertain significance. Review status: criteria provided, multiple submitters, no conflicts (2 of 4 stars). 2 submissions from 2 submitters: Uncertain significance (2). Last evaluated 2025-02-18.

Conditions:
Inborn genetic diseases. Identifiers: MedGen C0950123, MeSH D030342.

Submissions (2):

GeneDx
Classification: Uncertain significance. Last evaluated: 2025-02-18. Review status: criteria provided, single submitter. Criteria: GeneDx Variant Classification Process June 2021. Collection method: clinical testing. Allele origin: germline. Affected: yes.
Comment: Not observed at significant frequency in large population cohorts (gnomAD); In silico analysis supports that this missense variant does not alter protein structure/function; Has not been previously published as pathogenic or benign to our knowledge

Ambry Genetics
Classification: Uncertain significance for Inborn genetic diseases. Last evaluated: 2023-04-25. Review status: criteria provided, single submitter. Criteria: Ambry Variant Classification Scheme 2023. Collection method: clinical testing. Allele origin: germline.